The following is an entry in ClinVar:

NM_001378454.1(ALMS1):c.6842C>G (p.Ala2281Gly)

Gene: ALMS1 (ALMS1 centrosome and basal body associated protein; plus strand). Cytogenetic location: 2p13.1.
Variant type: single nucleotide variant.
Coding change: c.6842C>G on transcript NM_001378454.1 (MANE Select); coding-DNA position 6842, C replaced by G.
Protein change: p.Ala2281Gly; replaces alanine 2281 with glycine.
Molecular consequence: missense variant.
Genome position (GRCh38, 1-based): chr2:73,453,369, C>G. VCF-style: chr2-73453369-C-G. GRCh37 (hg19) VCF-style: chr2-73680496-C-G.
Other names: c.6845C>G, p.Ala2282Gly (NM_015120.4); short protein forms A2281G, A2282G.
Identifiers: ClinVar variation 3708037 (VCV003708037.4).

ClinVar aggregate classification (germline): Uncertain significance. Review status: criteria provided, multiple submitters, no conflicts (2 of 4 stars). 2 submissions from 2 submitters: Uncertain significance (2). Last evaluated 2025-01-27.

Conditions:
Alstrom syndrome (ALMS). Identifiers: Orphanet 64, MedGen C0268425, MONDO:0008763, OMIM 203800.

gnomAD v4.1: 1 of 1,613,858 alleles (0.000062%); highest among the groups gnomAD compares: East Asian, 0.0022%; no homozygotes.

Submissions (2):

Women's Health and Genetics/Laboratory Corporation of America, LabCorp
Classification: Uncertain significance. Last evaluated: 2025-01-27. Review status: criteria provided, single submitter. Criteria: LabCorp Variant Classification Summary - May 2015. Collection method: clinical testing. Allele origin: germline.

Labcorp Genetics (formerly Invitae), Labcorp
Classification: Uncertain significance for Alstrom syndrome. Last evaluated: 2024-04-27. Review status: criteria provided, single submitter. Criteria: Invitae Variant Classification Sherloc (09022015). Collection method: clinical testing. Allele origin: germline.
Comment: This sequence change replaces alanine, which is neutral and non-polar, with glycine, which is neutral and non-polar, at codon 2282 of the ALMS1 protein (p.Ala2282Gly). This variant is present in population databases (rs755895023, gnomAD 0.006%). This variant has not been reported in the literature in individuals affected with ALMS1-related conditions. Experimental studies and prediction algorithms are not available or were not evaluated, and the functional significance of this variant is currently unknown. In summary, the available evidence is currently insufficient to determine the role of this variant in disease. Therefore, it has been classified as a Variant of Uncertain Significance.